The following is an entry in ClinVar:

ClinVar aggregate classification (germline): Pathogenic (1 of 4 stars; one submission).

Submission:

Labcorp Genetics (formerly Invitae), Labcorp
Classification: Pathogenic. Last evaluated: 2023-07-13. Review status: criteria provided, single submitter. Criteria: Invitae Variant Classification Sherloc (09022015). Collection method: clinical testing. Allele origin: germline.
Comment: For these reasons, this variant has been classified as Pathogenic. This variant has not been reported in the literature in individuals affected with SPEG-related conditions. This variant is not present in population databases (gnomAD no frequency). This sequence change creates a premature translational stop signal (p.His3079Argfs*19) in the SPEG gene. It is expected to result in an absent or disrupted protein product. Loss-of-function variants in SPEG are known to be pathogenic (PMID: 19118250, 25087613).

Literature cited by the submitters: PubMed 19118250; PubMed 25087613.

NM_005876.5(SPEG):c.9232_9235dup (p.His3079fs)

Genes: ASIC4-AS1 (ASIC4 antisense RNA 1; minus strand), SPEG (striated muscle enriched protein kinase; plus strand). Cytogenetic location: 2q35.
Variant type: Duplication.
Coding change: c.9232_9235dup on transcript NM_005876.5 (MANE Select); coding-DNA positions 9232 to 9235, 4 bases duplicated (GGCC; older notation c.9232_9235dupGGCC).
Protein change: p.His3079fs; shifts the reading frame from histidine 3079.
Molecular consequence: frameshift variant.
Genome position (GRCh38, 1-based): chr2:219,490,803-219,490,806, GGCC duplicated; duplicating any 4 consecutive bases within chr2:219,490,802-219,490,806 gives the same sequence; the c. name uses the placement nearest the transcript's 3' end. VCF-style (leftmost placement, unchanged base first): chr2-219490801-A-ACGGC. GRCh37 (hg19) VCF-style: chr2-220355523-A-ACGGC.
Other names: short protein forms H3079fs.
Identifiers: ClinVar variation 2743047 (VCV002743047.3), dbSNP rs2546023288, ClinGen allele CA2697550470.